The following is an entry in ClinVar:

ClinVar aggregate classification (germline): Uncertain significance. Review status: criteria provided, multiple submitters, no conflicts (2 of 4 stars). 2 submissions from 2 submitters: Uncertain significance (2). Last evaluated 2026-09-17.

Conditions:
Thrombus. Identifiers: MedGen C0087086, MeSH D013927.
Thrombomodulin-related bleeding disorder (THPH12). Also called: Thrombophilia due to thrombomodulin defect. Identifiers: Orphanet 436169, MedGen C3280976, MONDO:0013775, OMIM 614486.

Submissions (2):

Genomenon, Inc
Classification: Uncertain significance for Thrombomodulin-related bleeding disorder. Last evaluated: 2026-09-17. Review status: criteria provided, single submitter. Criteria: Genomenon Sequence Variant Interpretation Standards - Updated. Collection method: curation. Allele origin: germline. Affected: no.
Comment: THBD p.Cys175Ser (c.524G>C) is a missense variant that changes the amino acid at codon 175 from cysteine to serine. This variant has been reported in the published literature (PMID:40272857;39841007). It is absent or not present at a significant frequency in gnomAD. In conclusion, we classify THBD p.Cys175Ser (c.524G>C) as a variant of uncertain significance.

ISTH-SSC Genomics in Thrombosis and Hemostasis, KU Leuven, Center for Molecular and Vascular Biology
Classification: Uncertain significance for Thrombus. Review status: criteria provided, single submitter. Criteria: ACMG Guidelines, 2015. Collection method: clinical testing. Allele origin: germline. Affected: yes. Observed: 1 heterozygote.
Comment: Submitted to GoldVariant by Kathleen Freson, Center for Molecular and Vascular Biology, Leuven, Belgium

Literature cited by the submitters: PubMed 40272857 (cited by Genomenon, Inc); PubMed 39841007 (cited by Genomenon, Inc).

NM_000361.3(THBD):c.524G>C (p.Cys175Ser)

Gene: THBD (thrombomodulin; minus strand). Cytogenetic location: 20p11.21.
Variant type: single nucleotide variant.
Coding change: c.524G>C on transcript NM_000361.3 (MANE Select); coding-DNA position 524, G replaced by C.
Protein change: p.Cys175Ser; replaces cysteine 175 with serine.
Molecular consequence: missense variant.
Genome position (GRCh38, 1-based): chr20:23,048,981, C>G on the plus strand (G>C on the coding strand, the complement: THBD is on the minus strand). VCF-style: chr20-23048981-C-G. GRCh37 (hg19) VCF-style: chr20-23029618-C-G.
Other names: short protein forms C175S.
Identifiers: ClinVar variation 1703803 (VCV001703803.2), dbSNP rs2515205267, ClinGen allele CA408407492.